The following is an entry in ClinVar:

NM_003128.3(SPTBN1):c.6744C>G (p.Pro2248=)

Genes: SPTBN1 (spectrin beta, non-erythrocytic 1; plus strand), SPTBN1-AS2 (SPTBN1 antisense RNA 2; minus strand). Cytogenetic location: 2p16.2.
Variant type: single nucleotide variant.
Coding change: c.6744C>G on transcript NM_003128.3 (MANE Select); coding-DNA position 6744, C replaced by G.
Protein change: p.Pro2248=; no amino-acid change (proline 2248 retained).
Molecular consequence: synonymous variant.
Genome position (GRCh38, 1-based): chr2:54,665,999, C>G. VCF-style: chr2-54665999-C-G. GRCh37 (hg19) VCF-style: chr2-54893136-C-G.
Identifiers: ClinVar variation 2650933 (VCV002650933.24), dbSNP rs1558486018, ClinGen allele CA426135990.

ClinVar aggregate classification (germline): Likely benign (1 of 4 stars; one submission).

Allele frequency attached by ClinVar (database versions not stated): gnomAD 0.00001.
gnomAD v4.1: 6 of 1,614,006 alleles (0.00037%); highest among the groups gnomAD compares: African/African-American, 0.0013%; no homozygotes.

Submission:

CeGaT Center for Human Genetics Tuebingen
Classification: Likely benign. Last evaluated: 2023-10-01. Review status: criteria provided, single submitter. Criteria: CeGaT Center For Human Genetics Tuebingen Variant Classification Criteria Version 2. Collection method: clinical testing. Allele origin: germline. Affected: yes. Observed: 1 variant allele.
Comment: SPTBN1: BP4